The following is an entry in ClinVar:

NM_020940.4(FHIP2A):c.1861T>C (p.Leu621=)

Gene: FHIP2A (FHF complex subunit HOOK interacting protein 2A; plus strand). Cytogenetic location: 10q25.3.
Variant type: single nucleotide variant.
Coding change: c.1861T>C on transcript NM_020940.4 (MANE Select); coding-DNA position 1861, T replaced by C.
Protein change: p.Leu621=; no amino-acid change (leucine 621 retained).
Molecular consequence: synonymous variant.
Genome position (GRCh38, 1-based): chr10:114,855,254, T>C. VCF-style: chr10-114855254-T-C. GRCh37 (hg19) VCF-style: chr10-116615013-T-C.
Other names: c.1861T>C, p.Leu621= (NM_001135051.2).
Identifiers: ClinVar variation 2640868 (VCV002640868.24), dbSNP rs201141554, ClinGen allele CA5703422.

ClinVar aggregate classification (germline): Likely benign (1 of 4 stars; one submission).

Allele frequency attached by ClinVar (database versions not stated): ESP Exome Variant Server 0.00015; 1000 Genomes Project 30x 0.00016; gnomAD 0.00019; 1000 Genomes Project 0.00020; gnomAD exomes 0.00020; TOPMed 0.00020; ExAC 0.00027.
gnomAD v4.1: 349 of 1,614,130 alleles (0.022%); highest among the groups gnomAD compares: Middle Eastern, 0.87%; 3 homozygotes.

Submission:

CeGaT Center for Human Genetics Tuebingen
Classification: Likely benign. Last evaluated: 2023-07-01. Review status: criteria provided, single submitter. Criteria: CeGaT Center For Human Genetics Tuebingen Variant Classification Criteria Version 2. Collection method: clinical testing. Allele origin: germline. Affected: yes. Observed: 1 variant allele.
Comment: FHIP2A: BP4